The following is an entry in ClinVar:

ClinVar aggregate classification (germline): Uncertain significance (1 of 4 stars; one submission).

Allele frequency attached by ClinVar (database versions not stated): gnomAD 0.00002; gnomAD exomes 0.00003; ExAC 0.00007; TOPMed 0.00008.

Submission:

Labcorp Genetics (formerly Invitae), Labcorp
Classification: Uncertain significance. Last evaluated: 2022-07-07. Review status: criteria provided, single submitter. Criteria: Invitae Variant Classification Sherloc (09022015). Collection method: clinical testing. Allele origin: germline.
Comment: In summary, the available evidence is currently insufficient to determine the role of this variant in disease. Therefore, it has been classified as a Variant of Uncertain Significance. Algorithms developed to predict the effect of missense changes on protein structure and function (SIFT, PolyPhen-2, Align-GVGD) all suggest that this variant is likely to be tolerated. This variant has not been reported in the literature in individuals affected with APC2-related conditions. This variant is present in population databases (rs777444839, gnomAD 0.04%). This sequence change replaces alanine, which is neutral and non-polar, with valine, which is neutral and non-polar, at codon 569 of the APC2 protein (p.Ala569Val).

NM_005883.3(APC2):c.1706C>T (p.Ala569Val)

Gene: APC2 (APC regulator of WNT signaling pathway 2; plus strand). Cytogenetic location: 19p13.3.
Variant type: single nucleotide variant.
Coding change: c.1706C>T on transcript NM_005883.3 (MANE Select); coding-DNA position 1706, C replaced by T.
Protein change: p.Ala569Val; replaces alanine 569 with valine.
Molecular consequence: missense variant.
Genome position (GRCh38, 1-based): chr19:1,462,030, C>T. VCF-style: chr19-1462030-C-T. GRCh37 (hg19) VCF-style: chr19-1462029-C-T.
Other names: c.1703C>T, p.Ala568Val (NM_001351273.1); short protein forms A569V, A568V.
Identifiers: ClinVar variation 2182402 (VCV002182402.2), dbSNP rs777444839, ClinGen allele CA9045263.